The following is an entry in ClinVar:

ClinVar aggregate classification (germline): Conflicting classifications of pathogenicity. Review status: criteria provided, conflicting classifications (1 of 4 stars). 4 submissions from 2 submitters: Uncertain significance (2); Likely benign (2). Last evaluated 2024-07-31.

Conditions:
Age related macular degeneration 9. Identifiers: MedGen C1969651, MONDO:0012659, OMIM 611378.
Atypical hemolytic-uremic syndrome with C3 anomaly. Also called: AHUS, SUSCEPTIBILITY TO, 5. Identifiers: Orphanet 2134, MedGen C2752037, MONDO:0013043, OMIM 612925.
Complement component 3 deficiency. Identifiers: Orphanet 280133, MedGen C3151071, MONDO:0013417, OMIM 613779.

Allele frequency attached by ClinVar (database versions not stated): gnomAD 0.00001; gnomAD exomes 0.00001; TOPMed 0.00001; ExAC 0.00002.
gnomAD v4.1: 15 of 1,614,078 alleles (0.00093%); highest among the groups gnomAD compares: Non-Finnish European, 0.0013%; no homozygotes.

Submissions (4):

Labcorp Genetics (formerly Invitae), Labcorp
Classification: Likely benign. Last evaluated: 2024-07-31. Review status: criteria provided, single submitter. Criteria: Invitae Variant Classification Sherloc (09022015). Collection method: clinical testing. Allele origin: germline.

Illumina Laboratory Services, Illumina
Classification: Uncertain significance for Age related macular degeneration 9. Last evaluated: 2018-01-13. Review status: criteria provided, single submitter. Criteria: ICSL Variant Classification Criteria 13 December 2019. Collection method: clinical testing. Allele origin: germline.

Illumina Laboratory Services, Illumina
Classification: Uncertain significance for Complement component 3 deficiency. Last evaluated: 2018-01-13. Review status: criteria provided, single submitter. Criteria: ICSL Variant Classification Criteria 13 December 2019. Collection method: clinical testing. Allele origin: germline.

Illumina Laboratory Services, Illumina
Classification: Likely benign for Atypical hemolytic-uremic syndrome with C3 anomaly. Last evaluated: 2018-01-13. Review status: criteria provided, single submitter. Criteria: ICSL Variant Classification Criteria 13 December 2019. Collection method: clinical testing. Allele origin: germline.
Comment: This variant was observed in the ICSL laboratory as part of a predisposition screen in an ostensibly healthy population. It had not been previously curated by ICSL or reported in the Human Gene Mutation Database (HGMD: prior to June 1st, 2018), and was therefore a candidate for classification through an automated scoring system. Utilizing variant allele frequency, disease prevalence and penetrance estimates, and inheritance mode, an automated score was calculated to assess if this variant is too frequent to cause the disease. Based on the score and internal cut-off values, a variant classified as likely benign is not then subjected to further curation. The score for this variant resulted in a classification of likely benign for this disease.

NM_000064.4(C3):c.4850+12C>A

Gene: C3 (complement C3; minus strand). Cytogenetic location: 19p13.3.
Variant type: single nucleotide variant.
Coding change: c.4850+12C>A on transcript NM_000064.4 (MANE Select); 12 bases into the intron after coding-DNA position 4850, C replaced by A.
Molecular consequence: intron variant.
Genome position (GRCh38, 1-based): chr19:6,678,140, G>T on the plus strand (C>A on the coding strand, the complement: C3 is on the minus strand). VCF-style: chr19-6678140-G-T. GRCh37 (hg19) VCF-style: chr19-6678151-G-T.
Other names: c.4850+12C>A (LRG_27t1).
Identifiers: ClinVar variation 330272 (VCV000330272.7), dbSNP rs748416799, ClinGen allele CA9128240.
Genomic context (GRCh38, chr19:6,678,140, plus strand): 5'-GTGACAATGGTGTGGGCGTGGCATGGGCGGGGCAGTCGGGCGGTCGCGCGCACGCGCAGG[G>T]AAAGCACTCACTTGGGCTTCTCTCCCCAGAAATCGGAGGAGAGACCCCACATGAGGTAGT-3'